The following is an entry in ClinVar:

NM_001042492.3(NF1):c.6777del (p.Ser2260fs)

Gene: NF1 (neurofibromin 1; plus strand). Cytogenetic location: 17q11.2.
Variant type: Deletion.
Coding change: c.6777del on transcript NM_001042492.3 (MANE Select); coding-DNA position 6777, one base deleted (G; older notation c.6777delG).
Protein change: p.Ser2260fs; shifts the reading frame from serine 2260.
Molecular consequence: frameshift variant.
Genome position (GRCh38, 1-based): chr17:31,338,097, G deleted. VCF-style (leftmost placement, unchanged base first): chr17-31338096-TG-T. GRCh37 (hg19) VCF-style: chr17-29665114-TG-T.
Other names: c.6714delG, p.Ser2239Leufs (NM_000267.4); short protein forms S2239fs, S2260fs.
Identifiers: ClinVar variation 2503504 (VCV002503504.2), dbSNP rs2508759534, ClinGen allele CA2580614070.

ClinVar aggregate classification (germline): Conflicting classifications of pathogenicity. Review status: criteria provided, conflicting classifications (1 of 4 stars). 2 submissions from 2 submitters: Pathogenic (1); Uncertain significance (1). Last evaluated 2024-03-25.

Conditions:
Neurofibromatosis, type 1 (NF1). Also called: Peripheral type neurofibromatosis; Neurofibromatosis, type I; VON RECKLINGHAUSEN DISEASE; NEUROFIBROMATOSIS, TYPE I, SOMATIC. Identifiers: Orphanet 636, MedGen C0027831, MONDO:0018975, OMIM 162200. Disease mechanism: loss of function.

Submissions (2):

Genomic Medicine Center of Excellence, King Faisal Specialist Hospital and Research Centre
Classification: Uncertain significance for Neurofibromatosis, type 1. Last evaluated: 2024-03-25. Review status: criteria provided, single submitter. Criteria: ACMG Guidelines, 2015. Collection method: clinical testing. Allele origin: germline.

St. Jude Molecular Pathology, St. Jude Children's Research Hospital
Classification: Pathogenic for Neurofibromatosis, type 1. Last evaluated: 2023-05-08. Review status: criteria provided, single submitter. Criteria: St. Jude Assertion Criteria 2020. Collection method: clinical testing. Allele origin: germline. Affected: yes.
Comment: The NF1 c.6714del (p.Ser2239LeufsTer5) change deletes 1 nucleotide in exon 44 of the NF1 gene to cause a frameshift and the creation of a premature stop codon. This change is predicted to cause protein truncation or absence of the protein due to nonsense-mediated decay. This variant is absent in gnomAD v2.1.1. This variant has been observed in individuals with neurofibromatosis type 1 (internal data). Loss-of-function variants in NF1 are known to be pathogenic (PMID: 9003501, 10712197). In summary, this variant meets criteria to be classified as pathogenic.